The following is an entry in ClinVar:

ClinVar aggregate classification (germline): Uncertain significance. Review status: criteria provided, multiple submitters, no conflicts (2 of 4 stars). 2 submissions from 2 submitters: Uncertain significance (2). Last evaluated 2024-05-30.

Conditions:
Malignant hyperthermia, susceptibility to, 1 (MHS1). Also called: Anesthesia related hyperthermia; Malignant hyperpyrexia; Fulminating hyperpyrexia; Pharmacogenic myopathy; RYR1-Related Malignant Hyperthermia Susceptibility; Malignant hyperthermia suceptibility 1. Identifiers: Orphanet 423, MedGen C2930980, MONDO:0007783, OMIM 145600.

gnomAD v4.1: 1 of 1,613,104 alleles (0.000062%); highest among the groups gnomAD compares: Non-Finnish European, 0.000085%; no homozygotes.

Submissions (2):

All of Us Research Program, National Institutes of Health
Classification: Uncertain significance for Malignant hyperthermia, susceptibility to, 1. Last evaluated: 2024-05-30. Review status: criteria provided, single submitter. Criteria: ACMG Guidelines, 2015. Collection method: clinical testing. Allele origin: germline. Inheritance: Autosomal dominant inheritance. Observed: 1 variant allele, 1 heterozygote.
Comment: This missense variant replaces valine with leucine at codon 1471 of the RYR1 protein. Computational prediction suggests that this variant may not impact protein structure and function (internally defined REVEL score threshold <= 0.5, PMID: 27666373). To our knowledge, functional studies have not been reported for this variant. This variant has not been reported in individuals affected with RYR1-related disorders in the literature. This variant has not been identified in the general population by the Genome Aggregation Database (gnomAD). The available evidence is insufficient to determine the role of this variant in disease conclusively. Therefore, this variant is classified as a Variant of Uncertain Significance.

This study involves interpretation of variants in research participants for the purpose of population health screening. Participant phenotype was not available at the time of variant classification. Additional details can be found in publication PMID: 35346344, PMCID: PMC8962531

Laboratory for Molecular Medicine, Mass General Brigham Personalized Medicine
Classification: Uncertain significance. Last evaluated: 2017-06-05. Review status: criteria provided, single submitter. Criteria: LMM Criteria. Collection method: clinical testing. Allele origin: germline. Observed: 1 variant allele.
Comment: The p.Val1471Leu variant in RYR1 has not been previously reported in individuals with myopathy or in large population studies. Computational prediction tools an d conservation analysis do not provide strong support for or against an impact t o the protein. In summary, the clinical significance of the p.Val1471Leu variant is uncertain.

NM_000540.3(RYR1):c.4411G>T (p.Val1471Leu)

Gene: RYR1 (ryanodine receptor 1; plus strand). Cytogenetic location: 19q13.2.
Variant type: single nucleotide variant.
Coding change: c.4411G>T on transcript NM_000540.3 (MANE Select); coding-DNA position 4411, G replaced by T.
Protein change: p.Val1471Leu; replaces valine 1471 with leucine.
Molecular consequence: missense variant.
Genome position (GRCh38, 1-based): chr19:38,477,827, G>T. VCF-style: chr19-38477827-G-T. GRCh37 (hg19) VCF-style: chr19-38968467-G-T.
Other names: c.4411G>T, p.Val1471Leu (NM_001042723.2); short protein forms V1471L.
Identifiers: ClinVar variation 517421 (VCV000517421.6), dbSNP rs767558988, ClinGen allele CA308084611.